The following is an entry in ClinVar:

ClinVar aggregate classification (germline): Uncertain significance. Review status: criteria provided, multiple submitters, no conflicts (2 of 4 stars). 2 submissions from 2 submitters: Uncertain significance (2). Last evaluated 2026-01-19.

Conditions:
Inborn genetic diseases. Identifiers: MedGen C0950123, MeSH D030342.

Allele frequency attached by ClinVar (database versions not stated): gnomAD exomes 0.00013; ExAC 0.00017; gnomAD 0.00025 and 0.00027; TOPMed 0.00030; ESP Exome Variant Server 0.00038; 1000 Genomes Project 0.00080; 1000 Genomes Project 30x 0.00094.
gnomAD v4.1: 96 of 1,587,516 alleles (0.006%); highest among the groups gnomAD compares: African/African-American, 0.047%; no homozygotes.

Submissions (2):

Labcorp Genetics (formerly Invitae), Labcorp
Classification: Uncertain significance. Last evaluated: 2026-01-19. Review status: criteria provided, single submitter. Criteria: Invitae Variant Classification Sherloc (09022015). Collection method: clinical testing. Allele origin: germline.
Comment: This sequence change replaces arginine, which is basic and polar, with histidine, which is basic and polar, at codon 127 of the FARSB protein (p.Arg127His). This variant is present in population databases (rs137968758, gnomAD 0.06%). This variant has not been reported in the literature in individuals affected with FARSB-related conditions. ClinVar contains an entry for this variant (Variation ID: 1398549). Invitae Evidence Modeling of protein sequence and biophysical properties (such as structural, functional, and spatial information, amino acid conservation, physicochemical variation, residue mobility, and thermodynamic stability) indicates that this missense variant is expected to disrupt FARSB protein function with a positive predictive value of 80%. In summary, the available evidence is currently insufficient to determine the role of this variant in disease. Therefore, it has been classified as a Variant of Uncertain Significance.

Ambry Genetics
Classification: Uncertain significance for Inborn genetic diseases. Last evaluated: 2025-10-07. Review status: criteria provided, single submitter. Criteria: Ambry Variant Classification Scheme 2023. Collection method: clinical testing. Allele origin: germline.

NM_005687.5(FARSB):c.380G>A (p.Arg127His)

Gene: FARSB (phenylalanyl-tRNA synthetase subunit beta; minus strand). Cytogenetic location: 2q36.1.
Variant type: single nucleotide variant.
Coding change: c.380G>A on transcript NM_005687.5 (MANE Select); coding-DNA position 380, G replaced by A.
Protein change: p.Arg127His; replaces arginine 127 with histidine.
Molecular consequence: missense variant. On other transcripts: non-coding transcript variant (1).
Genome position (GRCh38, 1-based): chr2:222,639,655, C>T on the plus strand (G>A on the coding strand, the complement: FARSB is on the minus strand). VCF-style: chr2-222639655-C-T. GRCh37 (hg19) VCF-style: chr2-223504374-C-T.
Other names: c.380G>A (NM_005687.3); short protein forms R127H.
Identifiers: ClinVar variation 1398549 (VCV001398549.7), dbSNP rs137968758, ClinGen allele CA2136675.
Genomic context (GRCh38, chr2:222,639,655, plus strand): 5'-TGTAATTTCTCCTGAAGTTCAATGAAGCTGTCATATCGATCTTTAGTAAACTTTATATTA[C>T]GGAGAACTGCTGCTACCGCAAAAGGACGTATCTTAGCTGTCTGAAATTCATAATATCATT-3'
Protein context (NP_005678.3, residues 117-137): IRPFAVAAVL[Arg127His]NIKFTKDRYD